The following is an entry in ClinVar:

NM_000297.4(PKD2):c.56C>T (p.Pro19Leu)

Genes: PKD2 (polycystin 2, transient receptor potential cation channel; plus strand), LOC129992813 (ATAC-STARR-seq lymphoblastoid silent region 15559; plus strand). Cytogenetic location: 4q22.1.
Variant type: single nucleotide variant.
Coding change: c.56C>T on transcript NM_000297.4 (MANE Select); coding-DNA position 56, C replaced by T.
Protein change: p.Pro19Leu; replaces proline 19 with leucine.
Molecular consequence: missense variant. On other transcripts: non-coding transcript variant (1).
Genome position (GRCh38, 1-based): chr4:88,007,789, C>T. VCF-style: chr4-88007789-C-T. GRCh37 (hg19) VCF-style: chr4-88928941-C-T.
Other names: short protein forms P19L.
Identifiers: ClinVar variation 2002846 (VCV002002846.4), dbSNP rs2476356530, ClinGen allele CA357624959.

ClinVar aggregate classification (germline): Uncertain significance (1 of 4 stars; one submission).

Conditions:
Autosomal dominant polycystic kidney disease. Identifiers: Orphanet 730, MedGen C0085413, MONDO:0004691.

Submission:

Labcorp Genetics (formerly Invitae), Labcorp
Classification: Uncertain significance for Autosomal dominant polycystic kidney disease. Last evaluated: 2022-06-17. Review status: criteria provided, single submitter. Criteria: Invitae Variant Classification Sherloc (09022015). Collection method: clinical testing. Allele origin: germline.
Comment: This variant has not been reported in the literature in individuals affected with PKD2-related conditions. In summary, the available evidence is currently insufficient to determine the role of this variant in disease. Therefore, it has been classified as a Variant of Uncertain Significance. Algorithms developed to predict the effect of missense changes on protein structure and function are either unavailable or do not agree on the potential impact of this missense change (SIFT: "Deleterious"; PolyPhen-2: "Benign"; Align-GVGD: "Class C0"). This variant is not present in population databases (gnomAD no frequency). This sequence change replaces proline, which is neutral and non-polar, with leucine, which is neutral and non-polar, at codon 19 of the PKD2 protein (p.Pro19Leu).